The following is an entry in ClinVar:

ClinVar aggregate classification (germline): Likely pathogenic (1 of 4 stars; one submission).

Conditions:
EAST syndrome (SESAMES). Also called: SEIZURES, SENSORINEURAL DEAFNESS, ATAXIA, IMPAIRED INTELLECTUAL DEVELOPMENT, AND ELECTROLYTE IMBALANCE. Identifiers: Orphanet 199343, MedGen C2748572, MONDO:0013005, OMIM 612780.

gnomAD v4.1: 6 of 1,568,292 alleles (0.00038%); highest among the groups gnomAD compares: South Asian, 0.0024%; no homozygotes.

Submission:

3billion
Classification: Likely pathogenic for EAST syndrome. Last evaluated: 2025-10-03. Review status: criteria provided, single submitter. Criteria: ACMG Guidelines, 2015. Collection method: clinical testing. Allele origin: germline. Affected: yes.
Comment: The variant is observed at an extremely low frequency in the gnomAD v4.1.0 dataset (total allele frequency: <0.001%). Predicted Consequence/Location: Missense variant In silico tool predictions suggest damaging effect of the variant on gene or gene product [REVEL: 0.93 (>=0.6, sensitivity 0.68 and specificity 0.92); 3Cnet: 0.88 (> 0.75, sensitivity 0.96 and precision 0.92)]. The variant has been reported to co-segregate with the disease in at least one similarly affected relative/individual in the same family or similarly affected unrelated families (3billion dataset). A different missense change at the same codon (p.Arg175Gln) has been reported as pathogenic/likely pathogenic with strong evidence (ClinVar ID: VCV000041471 /PMID: 20651251). Therefore, this variant is classified as Likely pathogenic according to the recommendation of ACMG/AMP guideline.

Literature cited by the submitters: PubMed 20651251.

NM_002241.5(KCNJ10):c.523C>T (p.Arg175Trp)

Gene: KCNJ10 (potassium inwardly rectifying channel subfamily J member 10; minus strand). Cytogenetic location: 1q23.2.
Variant type: single nucleotide variant.
Coding change: c.523C>T on transcript NM_002241.5 (MANE Select); coding-DNA position 523, C replaced by T.
Protein change: p.Arg175Trp; replaces arginine 175 with tryptophan.
Molecular consequence: missense variant.
Genome position (GRCh38, 1-based): chr1:160,042,010, G>A on the plus strand (C>T on the coding strand, the complement: KCNJ10 is on the minus strand). VCF-style: chr1-160042010-G-A. GRCh37 (hg19) VCF-style: chr1-160011800-G-A.
Other names: short protein forms R175W.
Identifiers: ClinVar variation 4856273 (VCV004856273.1).
Genomic context (GRCh38, chr1:160,042,010, plus strand): 5'-AGGGCTTGCCATTGTGGGAGGCCACAACTGCATGCTGGCTGAAACGAATGGTCTCAGCCC[G>A]CTTCTTGGGCCGGGCAATCTTCGCCAGGAAGGTACCTGTGATGAAGATTTCCAGGATGGT-3'
Protein context (NP_002232.2, residues 165-185): FLAKIARPKK[Arg175Trp]AETIRFSQHA